The following is an entry in ClinVar:

ClinVar aggregate classification (germline): Benign/Likely benign. Review status: criteria provided, multiple submitters, no conflicts (2 of 4 stars). 4 submissions from 4 submitters: Benign (1); Likely benign (3). Last evaluated 2025-05-05.

Conditions:
Hereditary cancer-predisposing syndrome. Also called: Neoplastic Syndromes, Hereditary; Tumor predisposition; Hereditary Cancer Syndrome; Hereditary neoplastic syndrome. Identifiers: Orphanet 140162, MedGen C0027672, MeSH D009386, MONDO:0015356.
Familial cancer of breast. Also called: BREAST CANCER, FAMILIAL; hereditary breast carcinoma; Hereditary breast cancer. Identifiers: Orphanet 227535, MedGen C0346153, MONDO:0016419, OMIM 114480. Disease mechanism: loss of function.

Allele frequency attached by ClinVar (database versions not stated): gnomAD exomes below 0.00001.
gnomAD v4.1: 1 of 1,614,214 alleles (0.000062%); highest among the groups gnomAD compares: Non-Finnish European, 0.000085%; no homozygotes.

Submissions (4):

Labcorp Genetics (formerly Invitae), Labcorp
Classification: Likely benign for Familial cancer of breast. Last evaluated: 2025-05-05. Review status: criteria provided, single submitter. Criteria: Invitae Variant Classification Sherloc (09022015). Collection method: clinical testing. Allele origin: germline.

Myriad Genetics, Inc.
Classification: Benign for Familial cancer of breast. Last evaluated: 2025-01-15. Review status: criteria provided, single submitter. Criteria: Myriad Autosomal Dominant, Autosomal Recessive and X-Linked Classification Criteria (2023). Collection method: clinical testing. Allele origin: unknown.
Comment: This variant is considered benign. This variant is a silent/synonymous amino acid change and it is not expected to impact splicing.

GeneDx
Classification: Likely benign. Last evaluated: 2016-05-02. Review status: criteria provided, single submitter. Criteria: GeneDx Variant Classification (06012015). Collection method: clinical testing. Allele origin: germline. Affected: yes.
Comment: This variant is considered likely benign or benign based on one or more of the following criteria: it is a conservative change, it occurs at a poorly conserved position in the protein, it is predicted to be benign by multiple in silico algorithms, and/or has population frequency not consistent with disease.

Ambry Genetics
Classification: Likely benign for Hereditary cancer-predisposing syndrome. Last evaluated: 2015-09-17. Review status: criteria provided, single submitter. Criteria: Ambry Variant Classification Scheme 2023. Collection method: clinical testing. Allele origin: germline.

NM_024675.4(PALB2):c.2217T>C (p.Pro739=)

Gene: PALB2 (partner and localizer of BRCA2; minus strand). Cytogenetic location: 16p12.2.
Variant type: single nucleotide variant.
Coding change: c.2217T>C on transcript NM_024675.4 (MANE Select); coding-DNA position 2217, T replaced by C.
Protein change: p.Pro739=; no amino-acid change (proline 739 retained).
Molecular consequence: synonymous variant.
Genome position (GRCh38, 1-based): chr16:23,629,937, A>G on the plus strand (T>C on the coding strand, the complement: PALB2 is on the minus strand). VCF-style: chr16-23629937-A-G. GRCh37 (hg19) VCF-style: chr16-23641258-A-G.
Identifiers: ClinVar variation 233910 (VCV000233910.15), dbSNP rs876660727, ClinGen allele CA10579979.